The following is an entry in ClinVar:

NM_001276345.2(TNNT2):c.304_305insTTC (p.His101_Arg102insLeu)

Gene: TNNT2 (troponin T2, cardiac type; minus strand). Cytogenetic location: 1q32.1.
Variant type: Insertion.
Coding change: c.304_305insTTC on transcript NM_001276345.2 (MANE Select); coding-DNA positions 304 to 305, TTC inserted.
Protein change: p.His101_Arg102insLeu.
Molecular consequence: inframe insertion. On other transcripts: intron variant (1).
Genome position: GRCh38 VCF-style: chr1-201365297-C-CGAA. GRCh37 (hg19) VCF-style: chr1-201334425-C-CGAA.
Other names: c.304_305insTTC, p.His101_Arg102insLeu (NM_000364.4); c.274_275insTTC, p.His91_Arg92insLeu (NM_001001430.3, NM_001001431.3, NM_001276347.2); c.259_260insTTC, p.His86_Arg87insLeu (NM_001001432.3); c.291+312_291+313insCTT (NM_001276346.2).
Identifiers: ClinVar variation 181637 (VCV000181637.1), dbSNP rs730881117, ClinGen allele CA004260.

ClinVar aggregate classification (germline): Uncertain significance (1 of 4 stars; one submission).

Conditions:
Cardiomyopathy (CMYO). Also called: Cardiomyopathies. Identifiers: Orphanet 167848, MedGen C0878544, MONDO:0004994, HP:0001638. Inheritance: Various modes of inheritance.

Submission:

GeneDx
Classification: Uncertain significance for Cardiomyopathy. Last evaluated: 2012-04-30. Review status: criteria provided, single submitter. Criteria: GeneDx Variant Classification (06012015). Collection method: clinical testing. Allele origin: germline. Affected: yes.
Comment: p.His91_Arg92insLeu: c.274_275insTTC in exon 9 of the TNNT2 gene (NM_001001430.1). The c.274_275insTTC variant in the TNNT2 gene has not been reported previously as a disease-causing mutation or as a benign polymorphism, to our knowledge. This change results in an in-frame insertion of a Leucine residue in the TNNT2 gene. No other in-frame insertions in the TNNT2 gene have been reported in association with cardiomyopathy, however multiple in-frame deletions have been reported. Hereditary hypertrophic cardiomyopathy (HCM) is primarily an autosomal dominant disease characterized by myocardial hypertrophy in the absence of other cardiac or systemic causes. HCM is most frequently caused by mutations in genes coding for sarcomeric proteins in the cardiac muscle leading to myocyte disarray, a hallmark feature of HCM. Less commonly, ventricular hypertrophy is a presenting feature of genetic systemic disorders, such as Danon disease, Fabry disease, or mitochondrial cardiomyopathy. HCM has a variable clinical presentation; including palpitations, chest pain, heart failure syncope, or sudden death, although some individuals may be asymptomatic (Marian A et al., 1995; Maron B, 2003). Mutations in the TNNT2 gene have been reported in 5-15% of patients with autosomal dominant familial hypertrophic cardiomyopathy, often characterized by minimal left ventricular hypertrophy (LVH) but a high incidence of sudden cardiac death (Moolman J et al., 1997; Cirino A et al., 2011). Mutations in TNNT2 have reported less frequently in association with autosomal dominant familial dilated cardiomyopathy (Hershberger R et al., 2009). The clinical significance of the c.274_275insTTC variant in the TNNT2 gene is currently unknown. The variant is found in HCM panel(s).